The following is an entry in ClinVar:

NM_000203.5(IDUA):c.1827_1828delinsT (p.Asp610fs)

Gene: IDUA (alpha-L-iduronidase; plus strand). Cytogenetic location: 4p16.3.
Variant type: Indel.
Coding change: c.1827_1828delinsT on transcript NM_000203.5 (MANE Select); coding-DNA positions 1827 to 1828, AG replaced by T.
Protein change: p.Asp610fs; shifts the reading frame from aspartic acid 610.
Molecular consequence: frameshift variant. On other transcripts: non-coding transcript variant (1).
Genome position (GRCh38, 1-based): chr4:1,004,111-1,004,112, AG replaced by T. VCF-style: chr4-1004111-AG-T. GRCh37 (hg19) VCF-style: chr4-997899-AG-T.
Other names: NM_001363576.1:c.1431_1432delinsT; c.1431_1432delinsT, p.Asp478fs (NM_001363576.1); short protein forms D478fs, D610fs.
Identifiers: ClinVar variation 4086095 (VCV004086095.1).
Genomic context (GRCh38, chr4:1,004,111, plus strand): 5'-TAAGGCGTACACCCCGGTCAGCAGGAAGCCATCGACCTTCAACCTCTTTGTGTTCAGCCC[AG>T]GTGCGCCCACCACCCGCTGCCCTGGACTCGGCCACCCCATTCTTGGGCCTCAGGGCAGTA-3'

ClinVar aggregate classification (germline): Uncertain significance (3 of 4 stars; one submission).

Conditions:
Mucopolysaccharidosis type 1. Also called: IDUA deficiency; MPS I. Identifiers: Orphanet 579, MedGen C0023786, MONDO:0001586.

Submission:

ClinGen Lysosomal Storage Disorder Variant Curation Expert Panel
Classification: Uncertain significance for Mucopolysaccharidosis type 1. Last evaluated: 2024-12-05. Review status: reviewed by expert panel. Criteria: ClinGen LSD ACMG Specifications IDUA V1.0.0. Collection method: curation. Allele origin: germline. Inheritance: Autosomal recessive inheritance.
Comment: The NM_000203.5(IDUA):c.1827_1828delinsT (p.Asp610fsTer?) variant in IDUA replaces the last two nucleotides of the penultimate exon of IDUA (exon 13) with a single nucleotide. SpliceAI predicts that this variant will disrupt the donor splice site from intron 13 (score for donor loss = 1.0). This is predicted to cause skipping of exon 13, resulting in splicing of exon 12 to the last exon of IDUA (exon 14), with a frameshift replacing the last 43 amino acids of the protein with 48 altered amino acids before a stop codon is reached. Less than 10% of the normal sequence is lost (PVS1_Moderate). To our knowledge, no patients with this variant have been reported in the literature. However, one patient has been identified by a clinical diagnostic testing laboratory. This patient has IDUA activity at the upper end of the affected range. No other clinical or laboratory details are available. The variant is absent in gnomAD v4.1.0.. (PM2_Supporting). In summary, this variant meets the criteria to be classified as a variant of uncertain significance for Mucopolysaccharidosis type I. IDUA-specific criteria applied, as specified by the ClinGen Lysosomal Diseases VCEP (Specifications Version 1.0.0.): PVS1_Moderate, PM2_Supporting. (Classification approved by the ClinGen Lysosomal Diseases Variant Curation Expert Panel on December 5, 2024)